The following is an entry in ClinVar:

NM_001127511.3(APC):c.-20C>A

Gene: APC (APC regulator of Wnt signaling pathway; plus strand). Cytogenetic location: 5q22.2.
Variant type: single nucleotide variant.
Coding change: c.-20C>A on transcript NM_001127511.3; 20 bases upstream of the start codon, C replaced by A.
Molecular consequence: 5 prime UTR variant. On other transcripts: non-coding transcript variant (1), intron variant (5).
Genome position (GRCh38, 1-based): chr5:112,707,698, C>A. VCF-style: chr5-112707698-C-A. GRCh37 (hg19) VCF-style: chr5-112043395-C-A.
Other names: c.-203C>A (NM_001354895.2, NM_001407447.1, NM_001407452.1 and 3 more transcripts); c.-20C>A (NM_001354897.2, NM_001354902.2, NM_001407446.1); c.-1238C>A (NM_001407470.1, NM_001407472.1); c.-19+49C>A (NM_001407448.1, NM_001407450.1, NM_001407457.1 and 1 more transcripts); c.-43+49C>A (NM_001407453.1).
Identifiers: ClinVar variation 1491677 (VCV001491677.6), dbSNP rs2149630305, ClinGen allele CA2573138797.

ClinVar aggregate classification (germline): Uncertain significance (1 of 4 stars; one submission).

Conditions:
Familial adenomatous polyposis 1 (FAP1). Also called: FAMILIAL ADENOMATOUS POLYPOSIS 1, ATTENUATED; POLYPOSIS, ADENOMATOUS INTESTINAL. Identifiers: MedGen C2713442, MONDO:0021056, OMIM 175100. Disease mechanism: loss of function.

Submission:

Labcorp Genetics (formerly Invitae), Labcorp
Classification: Uncertain significance for Familial adenomatous polyposis 1. Last evaluated: 2021-05-09. Review status: criteria provided, single submitter. Criteria: Invitae Variant Classification Sherloc (09022015). Collection method: clinical testing. Allele origin: germline.
Comment: This variant occurs in a non-coding region of the APC gene. It does not change the encoded amino acid sequence of the APC protein. The frequency data for this variant in the population databases is considered unreliable, as metrics indicate insufficient coverage at this position in the ExAC database. This variant has not been reported in the literature in individuals with APC-related conditions. Experimental studies and prediction algorithms are not available or were not evaluated, and the functional significance of this variant is currently unknown. In summary, the available evidence is currently insufficient to determine the role of this variant in disease. Therefore, it has been classified as a Variant of Uncertain Significance.